The following is an entry in ClinVar:

ClinVar aggregate classification (germline): Conflicting classifications of pathogenicity. Review status: criteria provided, conflicting classifications (1 of 4 stars). 4 submissions from 4 submitters: Likely pathogenic (2); Uncertain significance (2). Last evaluated 2026-07-24.

Conditions:
GATA4-related disorder. Also called: GATA4-related condition. Identifiers: MedGen CN860321.
Atrioventricular septal defect 4 (AVSD4). Identifiers: MedGen C3280781, MONDO:0013747, OMIM 614430.

Allele frequency attached by ClinVar (database versions not stated): gnomAD exomes 0.00001; TOPMed 0.00001.

Submissions (4):

GeneDx
Classification: Likely pathogenic. Last evaluated: 2026-07-24. Review status: criteria provided, single submitter. Criteria: GeneDx Variant Classification Process June 2021. Collection method: clinical testing. Allele origin: germline.
Comment: Has not been previously published as pathogenic or benign to our knowledge; Not observed at significant frequency in large population cohorts (gnomAD); Canonical splice site variant predicted to result in a null allele in a gene for which loss of function is a known mechanism of disease

PreventionGenetics, part of Exact Sciences
Classification: Uncertain significance for GATA4-related condition. Last evaluated: 2026-02-25. Review status: criteria provided, single submitter. Criteria: ACMG Guidelines, 2015. Collection method: clinical testing. Allele origin: germline.
Comment: The GATA4 c.617-2A>G variant is predicted to disrupt the AG splice acceptor site and interfere with normal splicing. To our knowledge, this variant has not been reported in the literature. This variant is reported in 0.0058% of alleles in individuals of Latino descent in gnomAD. Variants that disrupt the consensus splice acceptor site in GATA4 are expected to be pathogenic. However, using a different transcript, this variant can be annotated as synonymous variant c.618A>G (MANE transcript: NM_001308093), which is predicted to affect splicing. Although we suspect that this variant may be pathogenic, the clinical significance of this variant is uncertain due to the absence of conclusive functional and genetic evidence.

Labcorp Genetics (formerly Invitae), Labcorp
Classification: Likely pathogenic for Atrioventricular septal defect 4. Last evaluated: 2025-11-06. Review status: criteria provided, single submitter. Criteria: Invitae Variant Classification Sherloc (09022015). Collection method: clinical testing. Allele origin: germline.
Comment: This sequence change affects an acceptor splice site in intron 2 of the GATA4 gene. It is expected to disrupt RNA splicing. Variants that disrupt the donor or acceptor splice site typically lead to a loss of protein function (PMID: 16199547), and loss-of-function variants in GATA4 are known to be pathogenic (PMID: 12845333, 15235040). This variant is present in population databases (no rsID available, gnomAD 0.006%). This variant has not been reported in the literature in individuals affected with GATA4-related conditions. ClinVar contains an entry for this variant (Variation ID: 472779). Algorithms developed to predict the effect of sequence changes on RNA splicing suggest that this variant may disrupt the consensus splice site. In summary, the currently available evidence indicates that the variant is pathogenic, but additional data are needed to prove that conclusively. Therefore, this variant has been classified as Likely Pathogenic.

Genetic Services Laboratory, University of Chicago
Classification: Uncertain significance. Last evaluated: 2018-09-14. Review status: criteria provided, single submitter. Criteria: ACMG Guidelines, 2015. Collection method: clinical testing. Allele origin: germline. Affected: no.

Literature cited by the submitters: PubMed 16199547 (cited by Labcorp Genetics (formerly Invitae), Labcorp); PubMed 12845333 (cited by Labcorp Genetics (formerly Invitae), Labcorp); PubMed 15235040 (cited by Labcorp Genetics (formerly Invitae), Labcorp).

NM_001308093.3(GATA4):c.618A>G (p.Val206=)

Gene: GATA4 (GATA binding protein 4). Cytogenetic location: 8p23.1.
Variant type: single nucleotide variant.
Coding change: c.618A>G on transcript NM_001308093.3 (MANE Select); coding-DNA position 618, A replaced by G.
Protein change: p.Val206=; no amino-acid change (valine 206 retained).
Molecular consequence: synonymous variant. On other transcripts: 5 prime UTR variant (1), splice acceptor variant (3).
Genome position (GRCh38, 1-based): chr8:11,748,917, A>G. VCF-style: chr8-11748917-A-G. GRCh37 (hg19) VCF-style: chr8-11606426-A-G.
Other names: c.-4A>G (NM_001308094.2); c.617-2A>G (NM_002052.5); c.-2-2A>G (NM_001374274.1, NM_001374273.1).
Identifiers: ClinVar variation 472779 (VCV000472779.15), dbSNP rs1405855570, ClinGen allele CA370312512.
Genomic context (GRCh38, chr8:11,748,917, plus strand): 5'-TGGGCATAAACAAAGAATTAATCCTCTGTGTCTTTTCTTGTCTGTTCCCCCCAACTCAGT[A>G]GATATGTTTGACGACTTCTCAGAAGGCAGAGAGTGTGTCAACTGTGGGGCTATGTCCACC-3'
Protein context (NP_001295022.1, residues 196-216): ANPAARHPNL[Val206=]DMFDDFSEGR